The following is an entry in ClinVar:

NM_000038.6(APC):c.-19+53T>G

Gene: APC (APC regulator of WNT signaling pathway; plus strand). Cytogenetic location: 5q22.2.
Variant type: single nucleotide variant.
Coding change: c.-19+53T>G on transcript NM_000038.6 (MANE Select); 53 bases into the intron after 19 bases upstream of the start codon, T replaced by G.
Molecular consequence: intron variant.
Genome position (GRCh38, 1-based): chr5:112,737,978, T>G. VCF-style: chr5-112737978-T-G. GRCh37 (hg19) VCF-style: chr5-112073675-T-G.
Other names: c.-18-16895T>G (NM_001354895.2); c.166-28348T>G (NM_001354897.2, NM_001354902.2, NM_001127511.3); c.-127+53T>G (NM_001127510.3); c.-49+53T>G (NM_001354898.2, NM_001354904.2); c.-1054+53T>G (NM_001354906.2); c.-19+53T>G (NM_001354896.2, NM_001354903.2, NM_001354899.2); c.-43+53T>G (NM_001354900.2, NM_001354901.2, NM_001354905.2).
Identifiers: ClinVar variation 82329 (VCV000082329.2), dbSNP rs80313086, ClinGen allele CA006536.

ClinVar aggregate classification (germline): other (0 of 4 stars; one submission).

Conditions:
Familial colorectal cancer. Identifiers: MedGen CN280943, MONDO:0023113. Disease mechanism: loss of function.

gnomAD v4.1: 3 of 948,948 alleles (0.00032%); highest among the groups gnomAD compares: African/African-American, 0.0018%; no homozygotes.

Submission:

Systems Biology Platform Zhejiang California International NanoSystems Institute
Classification: other for Familial colorectal cancer. Review status: no assertion criteria provided. Collection method: not provided. Allele origin: unknown.
ClinVar note: Converted during submission from cancer to other.